The following is an entry in ClinVar:

NM_024426.6(WT1):c.1150G>A (p.Val384Ile)

Gene: WT1 (WT1 transcription factor; minus strand). Cytogenetic location: 11p13.
Variant type: single nucleotide variant.
Coding change: c.1150G>A on transcript NM_024426.6 (MANE Select); coding-DNA position 1150, G replaced by A.
Protein change: p.Val384Ile; replaces valine 384 with isoleucine.
Molecular consequence: missense variant. On other transcripts: 5 prime UTR variant (1), non-coding transcript variant (1).
Genome position (GRCh38, 1-based): chr11:32,396,371, C>T on the plus strand (G>A on the coding strand, the complement: WT1 is on the minus strand). VCF-style: chr11-32396371-C-T. GRCh37 (hg19) VCF-style: chr11-32417917-C-T.
Other names: c.1099G>A, p.Val367Ile (NM_000378.6, NM_001407045.1, NM_001407048.1 and 1 more transcripts); c.499G>A, p.Val167Ile (NM_001198551.2); c.448G>A, p.Val150Ile (NM_001198552.2); c.-39G>A (NM_001367854.1); c.1144G>A, p.Val382Ile (NM_001407044.1); c.1150G>A, p.Val384Ile (NM_001407046.1, NM_024424.5); c.1027G>A, p.Val343Ile (NM_001407047.1); c.976G>A, p.Val326Ile (NM_001407050.1); and 2 more; short protein forms V167I, V384I, V150I, V367I, V343I, V362I, V379I, V326I.
Identifiers: ClinVar variation 659841 (VCV000659841.13), dbSNP rs977244044, ClinGen allele CA219476893.

ClinVar aggregate classification (germline): Conflicting classifications of pathogenicity. Review status: criteria provided, conflicting classifications (1 of 4 stars). 5 submissions from 5 submitters: Uncertain significance (4); Likely benign (1). Last evaluated 2025-06-09.

Conditions:
Frasier syndrome. Identifiers: Orphanet 347, MedGen C0950122, MeSH D052159, MONDO:0007635, OMIM 136680.
Drash syndrome (DDS). Also called: NEPHROPATHY, WILMS TUMOR, AND GENITAL ANOMALIES; WILMS TUMOR AND PSEUDO- OR TRUE HERMAPHRODITISM. Identifiers: Orphanet 220, MedGen C0950121, MONDO:0008682, OMIM 194080.
Wilms tumor 1 (WT1). Also called: Wilms tumor, somatic. Identifiers: Orphanet 654, MedGen CN033288, MONDO:0008679, OMIM 194070.
11p partial monosomy syndrome (WAGR). Also called: WAGR Spectrum Disorder; WAGR Complex; WAGR syndrome; CHROMOSOME 11p13 DELETION SYNDROME. Identifiers: Orphanet 893, MedGen C0206115, MONDO:0008681, OMIM 194072.
Inborn genetic diseases. Identifiers: MedGen C0950123, MeSH D030342.
Aniridia 1 (AN1). Identifiers: Orphanet 250923, MedGen C0344542, MONDO:0024507, OMIM 106210.
Meacham syndrome. Also called: Meacham Winn Culler syndrome. Identifiers: Orphanet 3097, MedGen C1837026, MONDO:0012164, OMIM 608978.
Mesothelioma, malignant (MESOM). Also called: Malignant mesothelioma (disease). Identifiers: Orphanet 50251, MedGen C0345967, MONDO:0006292, OMIM 156240, HP:0100001.
Nephrotic syndrome, type 4 (NPHS4). Also called: Familial mesangial sclerosis; Nephrotic syndrome, early onset with diffuse mesangial sclerosis. Identifiers: Orphanet 656, MedGen C3151568, MONDO:0009733, OMIM 256370.

Allele frequency attached by ClinVar (database versions not stated): gnomAD exomes below 0.00001; gnomAD 0.00003 and 0.00004; TOPMed 0.00006.
gnomAD v4.1: 8 of 1,613,998 alleles (0.0005%); highest among the groups gnomAD compares: African/African-American, 0.0093%; no homozygotes.

Submissions (5):

Labcorp Genetics (formerly Invitae), Labcorp
Classification: Uncertain significance for Wilms tumor 1; Drash syndrome; 11p partial monosomy syndrome; Frasier syndrome. Last evaluated: 2025-06-09. Review status: criteria provided, single submitter. Criteria: Invitae Variant Classification Sherloc (09022015). Collection method: clinical testing. Allele origin: germline.
Comment: This sequence change replaces valine, which is neutral and non-polar, with isoleucine, which is neutral and non-polar, at codon 379 of the WT1 protein (p.Val379Ile). This variant is present in population databases (no rsID available, gnomAD 0.02%). This variant has not been reported in the literature in individuals affected with WT1-related conditions. ClinVar contains an entry for this variant (Variation ID: 659841). Invitae Evidence Modeling of protein sequence and biophysical properties (such as structural, functional, and spatial information, amino acid conservation, physicochemical variation, residue mobility, and thermodynamic stability) indicates that this missense variant is not expected to disrupt WT1 protein function with a negative predictive value of 80%. In summary, the available evidence is currently insufficient to determine the role of this variant in disease. Therefore, it has been classified as a Variant of Uncertain Significance.

Ambry Genetics
Classification: Likely benign for Inborn genetic diseases. Last evaluated: 2025-04-30. Review status: criteria provided, single submitter. Criteria: Ambry Variant Classification Scheme 2023. Collection method: clinical testing. Allele origin: germline.

Baylor Genetics
Classification: Uncertain significance for Drash syndrome. Last evaluated: 2024-03-26. Review status: criteria provided, single submitter. Criteria: ACMG Guidelines, 2015. Collection method: clinical testing. Allele origin: unknown.

Color Diagnostics, LLC DBA Color Health
Classification: Uncertain significance for Wilms tumor 1. Last evaluated: 2024-03-06. Review status: criteria provided, single submitter. Criteria: ACMG Guidelines, 2015. Collection method: clinical testing. Allele origin: germline.
Comment: This missense variant replaces valine with isoleucine at codon 379 in the WT1 protein. Computational prediction suggests that this variant may not impact protein structure and function. To our knowledge, functional studies have not been reported for this variant. This variant has not been reported in individuals affected with WT1-related disorders in the literature. This variant has been identified in 2/31394 chromosomes in the general population by the Genome Aggregation Database (gnomAD). The available evidence is insufficient to determine the role of this variant in disease conclusively. Therefore, this variant is classified as a Variant of Uncertain Significance.

Fulgent Genetics
Classification: Uncertain significance for Aniridia 1; Frasier syndrome; Mesothelioma, malignant; Wilms tumor 1; 11p partial monosomy syndrome; Drash syndrome; Nephrotic syndrome, type 4; Meacham syndrome. Last evaluated: 2021-10-01. Review status: criteria provided, single submitter. Criteria: ACMG Guidelines, 2015. Collection method: clinical testing. Allele origin: unknown.